The following is an entry in ClinVar:

ClinVar aggregate classification (germline): Uncertain significance (1 of 4 stars; one submission).

Conditions:
Cryopyrin associated periodic syndrome (CAPS). Identifiers: Orphanet 208650, MedGen C2316212, MONDO:0016168.

gnomAD v4.1: 1 of 1,614,060 alleles (0.000062%); highest among the groups gnomAD compares: African/African-American, 0.0013%; no homozygotes.

Submission:

Labcorp Genetics (formerly Invitae), Labcorp
Classification: Uncertain significance for Cryopyrin associated periodic syndrome. Last evaluated: 2023-07-12. Review status: criteria provided, single submitter. Criteria: Invitae Variant Classification Sherloc (09022015). Collection method: clinical testing. Allele origin: germline.
Comment: Advanced modeling of protein sequence and biophysical properties (such as structural, functional, and spatial information, amino acid conservation, physicochemical variation, residue mobility, and thermodynamic stability) has been performed at Invitae for this missense variant, however the output from this modeling did not meet the statistical confidence thresholds required to predict the impact of this variant on NLRP3 protein function. This variant has not been reported in the literature in individuals affected with NLRP3-related conditions. This variant is not present in population databases (gnomAD no frequency). This sequence change replaces leucine, which is neutral and non-polar, with valine, which is neutral and non-polar, at codon 832 of the NLRP3 protein (p.Leu832Val). In summary, the available evidence is currently insufficient to determine the role of this variant in disease. Therefore, it has been classified as a Variant of Uncertain Significance.

NM_001243133.2(NLRP3):c.2488C>G (p.Leu830Val)

Gene: NLRP3 (NLR family pyrin domain containing 3; plus strand). Cytogenetic location: 1q44.
Variant type: single nucleotide variant.
Coding change: c.2488C>G on transcript NM_001243133.2 (MANE Select); coding-DNA position 2488, C replaced by G.
Protein change: p.Leu830Val; replaces leucine 830 with valine.
Molecular consequence: missense variant.
Genome position (GRCh38, 1-based): chr1:247,434,269, C>G. VCF-style: chr1-247434269-C-G. GRCh37 (hg19) VCF-style: chr1-247597571-C-G.
Other names: c.2488C>G, p.Leu830Val (NM_001079821.3, NM_001127461.3); c.2317C>G, p.Leu773Val (NM_001127462.3, NM_183395.3); c.2494C>G, p.Leu832Val (NM_004895.5); short protein forms L832V, L773V, L830V.
Identifiers: ClinVar variation 2724893 (VCV002724893.3), dbSNP rs114158404, ClinGen allele CA345561468.